The following is an entry in ClinVar:

ClinVar aggregate classification (germline): Uncertain significance. Review status: criteria provided, multiple submitters, no conflicts (2 of 4 stars). 2 submissions from 2 submitters: Uncertain significance (2). Last evaluated 2023-01-08.

Conditions:
Dyskeratosis congenita, autosomal dominant 6 (DKCA6). Identifiers: Orphanet 3322, MedGen C4225284, MONDO:0014690, OMIM 616553.
Inborn genetic diseases. Identifiers: MedGen C0950123, MeSH D030342.

Allele frequency attached by ClinVar (database versions not stated): ExAC 0.00001.
gnomAD v4.1: 2 of 1,612,526 alleles (0.00012%); no homozygotes.

Submissions (2):

Labcorp Genetics (formerly Invitae), Labcorp
Classification: Uncertain significance for Dyskeratosis congenita, autosomal dominant 6. Last evaluated: 2023-01-08. Review status: criteria provided, single submitter. Criteria: Invitae Variant Classification Sherloc (09022015). Collection method: clinical testing. Allele origin: germline.
Comment: In summary, the available evidence is currently insufficient to determine the role of this variant in disease. Therefore, it has been classified as a Variant of Uncertain Significance. Advanced modeling of protein sequence and biophysical properties (such as structural, functional, and spatial information, amino acid conservation, physicochemical variation, residue mobility, and thermodynamic stability) performed at Invitae indicates that this missense variant is expected to disrupt ACD protein function. ClinVar contains an entry for this variant (Variation ID: 1797564). This variant has not been reported in the literature in individuals affected with ACD-related conditions. This variant is not present in population databases (gnomAD no frequency). This sequence change replaces proline, which is neutral and non-polar, with leucine, which is neutral and non-polar, at codon 97 of the ACD protein (p.Pro97Leu).

Ambry Genetics
Classification: Uncertain significance for Inborn genetic diseases. Last evaluated: 2021-11-24. Review status: criteria provided, single submitter. Criteria: Ambry Variant Classification Scheme 2023. Collection method: clinical testing. Allele origin: germline.
Comment: The p.P97L variant (also known as c.290C>T), located in coding exon 1 of the ACD gene, results from a C to T substitution at nucleotide position 290. The proline at codon 97 is replaced by leucine, an amino acid with similar properties. This amino acid position is conserved. In addition, the in silico prediction for this alteration is inconclusive. Since supporting evidence is limited at this time, the clinical significance of this alteration remains unclear.

NM_001082486.2(ACD):c.32C>T (p.Pro11Leu)

Gene: ACD (ACD shelterin complex subunit and telomerase recruitment factor; minus strand). Cytogenetic location: 16q22.1.
Variant type: single nucleotide variant.
Coding change: c.32C>T on transcript NM_001082486.2 (MANE Select); coding-DNA position 32, C replaced by T.
Protein change: p.Pro11Leu; replaces proline 11 with leucine.
Molecular consequence: missense variant.
Genome position (GRCh38, 1-based): chr16:67,660,189, G>A on the plus strand (C>T on the coding strand, the complement: ACD is on the minus strand). VCF-style: chr16-67660189-G-A. GRCh37 (hg19) VCF-style: chr16-67694092-G-A.
Other names: c.32C>T, p.Pro11Leu (NM_001410884.1, NM_022914.3); short protein forms P11L.
Identifiers: ClinVar variation 1797564 (VCV001797564.5), dbSNP rs770184750, ClinGen allele CA8114844.